The following is an entry in ClinVar:

NM_020774.4(MIB1):c.534_535del (p.Thr179fs)

Gene: MIB1 (MIB E3 ubiquitin protein ligase 1; plus strand). Cytogenetic location: 18q11.2.
Variant type: Deletion.
Coding change: c.534_535del on transcript NM_020774.4 (MANE Select); coding-DNA positions 534 to 535, 2 bases deleted (AA; older notation c.534_535delAA).
Protein change: p.Thr179fs; shifts the reading frame from threonine 179.
Molecular consequence: frameshift variant.
Genome position (GRCh38, 1-based): chr18:21,773,626-21,773,627, AA deleted. VCF-style (leftmost placement, unchanged base first): chr18-21773625-TAA-T. GRCh37 (hg19) VCF-style: chr18-19353586-TAA-T.
Other names: c.534_535delAA, p.Thr179Argfs (NM_020774.3); short protein forms T179fs.
Identifiers: ClinVar variation 3376087 (VCV003376087.1).

ClinVar aggregate classification (germline): Uncertain significance (1 of 4 stars; one submission).

Submission:

GeneDx
Classification: Uncertain significance. Last evaluated: 2024-05-08. Review status: criteria provided, single submitter. Criteria: GeneDx Variant Classification Process June 2021. Collection method: clinical testing. Allele origin: germline. Affected: yes.
Comment: Not observed at significant frequency in large population cohorts (gnomAD); Frameshift variant predicted to result in protein truncation or nonsense mediated decay in a gene or region of a gene for which loss of function is not a well-established mechanism of disease; Has not been previously published as pathogenic or benign to our knowledge